The following is an entry in ClinVar:

ClinVar aggregate classification (germline): Uncertain significance (1 of 4 stars; one submission).

Conditions:
Inborn genetic diseases. Identifiers: MedGen C0950123, MeSH D030342.

Submission:

Ambry Genetics
Classification: Uncertain significance for Inborn genetic diseases. Last evaluated: 2025-03-10. Review status: criteria provided, single submitter. Criteria: Ambry Variant Classification Scheme 2023. Collection method: clinical testing. Allele origin: germline.
Comment: The p.L70H variant (also known as c.209T>A), located in coding exon 3 of the ETV6 gene, results from a T to A substitution at nucleotide position 209. The leucine at codon 70 is replaced by histidine, an amino acid with similar properties. This amino acid position is conserved. In addition, this alteration is predicted to be deleterious by in silico analysis. Based on the available evidence, the clinical significance of this variant remains unclear.

NM_001987.5(ETV6):c.209T>A (p.Leu70His)

Genes: ETV6 (ETS variant transcription factor 6; plus strand), LOC126861451 (BRD4-independent group 4 enhancer GRCh37_chr12:11991350-11992549; plus strand). Cytogenetic location: 12p13.2.
Variant type: single nucleotide variant.
Coding change: c.209T>A on transcript NM_001987.5 (MANE Select); coding-DNA position 209, T replaced by A.
Protein change: p.Leu70His; replaces leucine 70 with histidine.
Molecular consequence: missense variant. On other transcripts: 5 prime UTR variant (1).
Genome position (GRCh38, 1-based): chr12:11,839,185, T>A. VCF-style: chr12-11839185-T-A. GRCh37 (hg19) VCF-style: chr12-11992119-T-A.
Other names: c.206T>A, p.Leu69His (NM_001413913.1); c.182T>A, p.Leu61His (NM_001413914.1); c.-56T>A (NM_001413915.1); c.209T>A, p.Leu70His (NM_001413916.1, NM_001413917.1, NM_001413918.1); short protein forms L70H, L61H, L69H.
Identifiers: ClinVar variation 3846559 (VCV003846559.1).